The following is an entry in ClinVar:

ClinVar aggregate classification (germline): Uncertain significance (1 of 4 stars; one submission).

Conditions:
Hereditary cancer-predisposing syndrome. Also called: Neoplastic Syndromes, Hereditary; Tumor predisposition; Hereditary Cancer Syndrome; Hereditary neoplastic syndrome. Identifiers: Orphanet 140162, MedGen C0027672, MeSH D009386, MONDO:0015356.

Submission:

Ambry Genetics
Classification: Uncertain significance for Hereditary cancer-predisposing syndrome. Last evaluated: 2025-06-22. Review status: criteria provided, single submitter. Criteria: Ambry Variant Classification Scheme 2023. Collection method: clinical testing. Allele origin: germline.
Comment: The p.S2113C variant (also known as c.6337A>T), located in coding exon 15 of the APC gene, results from an A to T substitution at nucleotide position 6337. The serine at codon 2113 is replaced by cysteine, an amino acid with dissimilar properties. This amino acid position is highly conserved in available vertebrate species. In addition, in silico predictors for this gene do not accurately predict pathogenicity. Since supporting evidence is limited at this time, the clinical significance of this alteration remains unclear.

NM_000038.6(APC):c.6337A>T (p.Ser2113Cys)

Gene: APC (APC regulator of Wnt signaling pathway; plus strand). Cytogenetic location: 5q22.2.
Variant type: single nucleotide variant.
Coding change: c.6337A>T on transcript NM_000038.6 (MANE Select); coding-DNA position 6337, A replaced by T.
Protein change: p.Ser2113Cys; replaces serine 2113 with cysteine.
Molecular consequence: missense variant.
Genome position (GRCh38, 1-based): chr5:112,841,931, A>T. VCF-style: chr5-112841931-A-T. GRCh37 (hg19) VCF-style: chr5-112177628-A-T.
Other names: c.6337A>T, p.Ser2113Cys (NM_001127510.3, NM_001354895.2, NM_001407450.1); c.6283A>T, p.Ser2095Cys (NM_001127511.3); c.6391A>T, p.Ser2131Cys (NM_001354896.2, NM_001407447.1, NM_001407448.1 and 1 more transcripts); c.6367A>T, p.Ser2123Cys (NM_001354897.2); c.6262A>T, p.Ser2088Cys (NM_001354898.2); c.6253A>T, p.Ser2085Cys (NM_001354899.2); c.6214A>T, p.Ser2072Cys (NM_001354900.2); c.6160A>T, p.Ser2054Cys (NM_001354901.2, NM_001407453.1); and 11 more; short protein forms S2022C, S2030C, S2123C, S1729C, S2072C, S2088C, S2103C, S2106C.
Identifiers: ClinVar variation 1752925 (VCV001752925.3), dbSNP rs1324036331, ClinGen allele CA16035210.